The following is an entry in ClinVar:

ClinVar aggregate classification (germline): Uncertain significance (1 of 4 stars; one submission).

Conditions:
Aicardi-Goutieres syndrome 4. Identifiers: Orphanet 51, MedGen C1835912, MONDO:0012472, OMIM 610333.

Submission:

Labcorp Genetics (formerly Invitae), Labcorp
Classification: Uncertain significance for Aicardi-Goutieres syndrome 4. Last evaluated: 2025-02-17. Review status: criteria provided, single submitter. Criteria: Invitae Variant Classification Sherloc (09022015). Collection method: clinical testing. Allele origin: germline.
Comment: This sequence change replaces glycine, which is neutral and non-polar, with histidine, which is basic and polar, at codon 39 of the RNASEH2A protein (p.Gly39His). Information on the frequency of this variant in the gnomAD database is not available, as this variant may be reported differently in the database. This variant has not been reported in the literature in individuals affected with RNASEH2A-related conditions. ClinVar contains an entry for this variant (Variation ID: 841862). An algorithm developed to predict the effect of missense changes on protein structure and function (PolyPhen-2) suggests that this variant is likely to be disruptive. In summary, the available evidence is currently insufficient to determine the role of this variant in disease. Therefore, it has been classified as a Variant of Uncertain Significance.

NM_006397.3(RNASEH2A):c.115_116delinsCA (p.Gly39His)

Genes: RNASEH2A (ribonuclease H2 subunit A; plus strand), LOC117038795 (CRISPRi-FlowFISH-validated PRDX2 regulatory element 4; plus strand). Cytogenetic location: 19p13.13.
Variant type: Indel.
Coding change: c.115_116delinsCA on transcript NM_006397.3 (MANE Select); coding-DNA positions 115 to 116, GG replaced by CA.
Protein change: p.Gly39His; replaces glycine 39 with histidine.
Molecular consequence: missense variant.
Genome position (GRCh38, 1-based): chr19:12,806,788-12,806,789, GG replaced by CA. VCF-style: chr19-12806788-GG-CA. GRCh37 (hg19) VCF-style: chr19-12917602-GG-CA.
Other names: short protein forms G39H.
Identifiers: ClinVar variation 841862 (VCV000841862.8), dbSNP rs1968997110, ClinGen allele CA916081222.
Genomic context (GRCh38, chr19:12,806,788, plus strand): 5'-CCTGTGCCCGCGGTGTGCCGCAAGGAGCCTTGCGTCCTGGGCGTCGATGAGGCGGGCAGG[GG>CA]CCCCGTGCTGGGTGCGCCCCTAGGGCCAGGGAGGGGAGGGGCGTGGTACGGAGGATGCGG-3'
Protein context (NP_006388.2, residues 29-49): CVLGVDEAGR[Gly39His]PVLGPMVYAI